The following is an entry in ClinVar:

NM_004360.5(CDH1):c.1865A>G (p.Asn622Ser)

Gene: CDH1 (cadherin 1; plus strand). Cytogenetic location: 16q22.1.
Variant type: single nucleotide variant.
Coding change: c.1865A>G on transcript NM_004360.5 (MANE Select); coding-DNA position 1865, A replaced by G.
Protein change: p.Asn622Ser; replaces asparagine 622 with serine.
Molecular consequence: missense variant. On other transcripts: 5 prime UTR variant (1).
Genome position (GRCh38, 1-based): chr16:68,822,154, A>G. VCF-style: chr16-68822154-A-G. GRCh37 (hg19) VCF-style: chr16-68856057-A-G.
Other names: NM_004360.5(CDH1):c.1865A>G; p.Asn622Ser; c.1682A>G, p.Asn561Ser (NM_001317184.2); c.317A>G, p.Asn106Ser (NM_001317185.2); c.-101A>G (NM_001317186.2); c.1865A>G (LRG_301t1); short protein forms N622S, N561S, N106S.
Identifiers: ClinVar variation 136062 (VCV000136062.33), dbSNP rs147925149, ClinGen allele CA167846.

ClinVar aggregate classification (germline): Likely benign. Review status: reviewed by expert panel (3 of 4 stars). 12 submissions from 12 submitters: Likely benign (1). 11 of the submissions do not count toward it. Last evaluated 2023-08-17.

Conditions:
CDH1-related disorder. Also called: CDH1-related condition.
CDH1-related diffuse gastric and lobular breast cancer syndrome. Also called: CDH1-related diffuse gastric and lobular breast cancer. Identifiers: MedGen CN311521, MONDO:0100488.
Hereditary cancer-predisposing syndrome. Also called: Neoplastic Syndromes, Hereditary; Tumor predisposition; Hereditary Cancer Syndrome; Hereditary neoplastic syndrome. Identifiers: Orphanet 140162, MedGen C0027672, MeSH D009386, MONDO:0015356.
Hereditary diffuse gastric adenocarcinoma (HDGC). Also called: DIFFUSE GASTRIC AND LOBULAR BREAST CANCER SYNDROME. Identifiers: Orphanet 26106, MedGen C1708349, MONDO:0007648, OMIM 137215.

Allele frequency attached by ClinVar (database versions not stated): ExAC 0.00001; gnomAD exomes 0.00001; gnomAD 0.00004 and 0.00005; TOPMed 0.00006; ESP Exome Variant Server 0.00008.
gnomAD v4.1: 18 of 1,614,000 alleles (0.0011%); highest among the groups gnomAD compares: Admixed American, 0.013%; no homozygotes.

Submissions (12):

Clingen Gastric Cancer Variant Curation Expert Panel
Classification: Likely benign for CDH1-related diffuse gastric and lobular breast cancer syndrome. Last evaluated: 2023-08-17. Review status: reviewed by expert panel. Criteria: ClinGen CDH1 ACMG Specifications V3.1. Collection method: curation. Allele origin: germline. Inheritance: Autosomal dominant inheritance.
Comment: The c.1865A>G (p.Asn622Ser) missense variant has a frequency of 0.000007953 (2 of 251,480) in the gnomAD v2.1.1 cohort, with a maximum non-founder allele frequency of 0.00006152 (1 of 16,256) in the African subpopulation. This variant has been observed in >10 (27) individuals w/o DCG, SRC tumors, or LBC & whose families do not suggest HDGC (BS2; SCV000166547.6, SCV000329232.7). In summary, the clinical significance of this variant is classified as likely benign based on BS2 alone. ACMG/AMP criteria applied, as specified by the CDH1 Variant Curation Expert Panel (Variant Interpretation Guidelines Version 3.1): BS2.

PreventionGenetics, part of Exact Sciences
Classification: Uncertain significance for CDH1-related condition. Last evaluated: 2026-04-24. Review status: criteria provided, single submitter. Criteria: ACMG Guidelines, 2015. Collection method: clinical testing. Allele origin: germline. Not counted in ClinVar's aggregate classification.
Comment: The CDH1 c.1865A>G variant is predicted to result in the amino acid substitution p.Asn622Ser. This variant has been reported in an individual with breast cancer and a family history of cancer (Supplemental Table, Garcia-Pelaez et al. 2022. PubMed ID: 36436516). This variant is reported in 0.0062% of alleles in individuals of African descent in gnomAD and has been reported in the control population in a study of individuals with breast cancer (Supplemental Tables, Breast Cancer Association Consortium et al. 2021. PubMed ID: 33471991). This variant has conflicting interpretations in ClinVar ranging from uncertain to likely benign (Variation ID: 136062). At this time, the clinical significance of this variant is uncertain due to the absence of conclusive functional and genetic evidence.

Labcorp Genetics (formerly Invitae), Labcorp
Classification: Likely benign for Hereditary diffuse gastric adenocarcinoma. Last evaluated: 2026-01-19. Review status: criteria provided, single submitter. Criteria: Invitae Variant Classification Sherloc (09022015). Collection method: clinical testing. Allele origin: germline. Not counted in ClinVar's aggregate classification.

Color Diagnostics, LLC DBA Color Health
Classification: Uncertain significance for Hereditary cancer-predisposing syndrome. Last evaluated: 2024-06-18. Review status: criteria provided, single submitter. Criteria: ACMG Guidelines, 2015. Collection method: clinical testing. Allele origin: germline. Not counted in ClinVar's aggregate classification.
Comment: This missense variant replaces asparagine with serine at codon 622 of the CDH1 protein. To our knowledge, functional studies have not been reported for this variant. This variant has not been reported in individuals affected with CDH1-related disorders in the literature. This variant has been identified in 2/251480 chromosomes in the general population by the Genome Aggregation Database (gnomAD). The available evidence is insufficient to determine the role of this variant in disease conclusively. Therefore, this variant is classified as a Variant of Uncertain Significance.

GeneDx
Classification: Uncertain significance. Last evaluated: 2024-02-20. Review status: criteria provided, single submitter. Criteria: GeneDx Variant Classification Process June 2021. Collection method: clinical testing. Allele origin: germline. Affected: yes. Not counted in ClinVar's aggregate classification.
Comment: Not observed at significant frequency in large population cohorts (gnomAD); In silico analysis supports that this missense variant has a deleterious effect on protein structure/function; This variant is associated with the following publications: (PMID: 15235021, 22850631, 33471991, 36436516)

Myriad Genetics, Inc.
Classification: Uncertain significance for Hereditary diffuse gastric adenocarcinoma. Last evaluated: 2023-03-06. Review status: criteria provided, single submitter. Criteria: Myriad Autosomal Dominant, Autosomal Recessive and X-Linked Classification Criteria (2023). Collection method: clinical testing. Allele origin: unknown. Not counted in ClinVar's aggregate classification.
Comment: This variant is classified as a variant of uncertain significance as there is insufficient evidence to determine its impact on protein function and/or cancer risk.

Quest Diagnostics Nichols Institute San Juan Capistrano
Classification: Likely benign. Last evaluated: 2022-09-08. Review status: criteria provided, single submitter. Criteria: Quest Diagnostics criteria. Collection method: clinical testing. Allele origin: unknown. Not counted in ClinVar's aggregate classification.

European Reference Network on Genetic Tumour Risk Syndromes (ERN-GENTURIS), i3s - Instituto de Investigação e Inovação em Saúde, University of Porto
Classification: Likely benign for Hereditary diffuse gastric adenocarcinoma. Last evaluated: 2022-08-01. Review status: criteria provided, single submitter. Criteria: Lee et al. (Hum Mutat. 2018). Collection method: clinical testing. Allele origin: germline. Inheritance: Autosomal dominant inheritance. Affected: no. Study: ERN GENTURIS. Not counted in ClinVar's aggregate classification.
Comment: BS2 (PMID: 30311375)

Women's Health and Genetics/Laboratory Corporation of America, LabCorp
Classification: Uncertain significance. Last evaluated: 2022-01-10. Review status: criteria provided, single submitter. Criteria: LabCorp Variant Classification Summary - May 2015. Collection method: clinical testing. Allele origin: germline. Not counted in ClinVar's aggregate classification.

Ambry Genetics
Classification: Likely benign for Hereditary cancer-predisposing syndrome. Last evaluated: 2021-11-18. Review status: criteria provided, single submitter. Criteria: Ambry Variant Classification Scheme 2023. Collection method: clinical testing. Allele origin: germline. Not counted in ClinVar's aggregate classification.

St. Jude Molecular Pathology, St. Jude Children's Research Hospital
Classification: Uncertain significance for Hereditary diffuse gastric adenocarcinoma. Last evaluated: 2020-09-09. Review status: criteria provided, single submitter. Criteria: St. Jude Assertion Criteria 2020. Collection method: clinical testing. Allele origin: germline. Not counted in ClinVar's aggregate classification.

Counsyl
Classification: Uncertain significance for Hereditary diffuse gastric adenocarcinoma. Last evaluated: 2016-05-25. Review status: no assertion criteria provided. Collection method: clinical testing. Allele origin: unknown. Not counted in ClinVar's aggregate classification.

Literature cited by the submitters: PubMed 33471991 (cited by Quest Diagnostics Nichols Institute San Juan Capistrano); PubMed 36436516 (cited by European Reference Network on Genetic Tumour Risk Syndromes (ERN-GENTURIS), i3s - Instituto de Investigação e Inovação em Saúde, University of Porto).